The following is an entry in ClinVar:

ClinVar aggregate classification (germline): Uncertain significance (1 of 4 stars; one submission).

Conditions:
Cardiovascular phenotype. Identifiers: MedGen CN230736.

Submission:

Ambry Genetics
Classification: Uncertain significance for Cardiovascular phenotype. Last evaluated: 2023-09-06. Review status: criteria provided, single submitter. Criteria: Ambry Variant Classification Scheme 2023. Collection method: clinical testing. Allele origin: germline.
Comment: The p.E62V variant (also known as c.185A>T), located in coding exon 1 of the ZNF469 gene, results from an A to T substitution at nucleotide position 185. The glutamic acid at codon 62 is replaced by valine, an amino acid with dissimilar properties. This amino acid position is conserved. In addition, this alteration is predicted to be tolerated by in silico analysis. Since supporting evidence is limited at this time, the clinical significance of this alteration remains unclear.

NM_001367624.2(ZNF469):c.185A>T (p.Glu62Val)

Gene: ZNF469 (zinc finger protein 469; plus strand). Cytogenetic location: 16q24.2.
Variant type: single nucleotide variant.
Coding change: c.185A>T on transcript NM_001367624.2 (MANE Select); coding-DNA position 185, A replaced by T.
Protein change: p.Glu62Val; replaces glutamic acid 62 with valine.
Molecular consequence: missense variant.
Genome position (GRCh38, 1-based): chr16:88,427,655, A>T. VCF-style: chr16-88427655-A-T. GRCh37 (hg19) VCF-style: chr16-88494063-A-T.
Other names: NM_001127464.1:c.185A>T; short protein forms E62V.
Identifiers: ClinVar variation 2626140 (VCV002626140.2), dbSNP rs2507570448, ClinGen allele CA397058555.